The following is an entry in ClinVar:

NM_182961.4(SYNE1):c.14107G>A (p.Asp4703Asn)

Gene: SYNE1 (spectrin repeat containing nuclear envelope protein 1; minus strand). Cytogenetic location: 6q25.2.
Variant type: single nucleotide variant.
Coding change: c.14107G>A on transcript NM_182961.4 (MANE Select); coding-DNA position 14107, G replaced by A.
Protein change: p.Asp4703Asn; replaces aspartic acid 4703 with asparagine.
Molecular consequence: missense variant.
Genome position (GRCh38, 1-based): chr6:152,330,578, C>T on the plus strand (G>A on the coding strand, the complement: SYNE1 is on the minus strand). VCF-style: chr6-152330578-C-T. GRCh37 (hg19) VCF-style: chr6-152651713-C-T.
Other names: p.Asp4632Asn; c.13894G>A, p.Asp4632Asn (NM_033071.5); short protein forms D4632N, D4703N.
Identifiers: ClinVar variation 130406 (VCV000130406.23), dbSNP rs116000545, ClinGen allele CA155367.

ClinVar aggregate classification (germline): Benign. Review status: criteria provided, multiple submitters, no conflicts (2 of 4 stars). 7 submissions from 6 submitters: Benign (6). 1 of the submissions does not count toward it. Last evaluated 2026-01-12.

Conditions:
Emery-Dreifuss muscular dystrophy 4, autosomal dominant (EDMD4). Also called: EMERY-DREIFUSS MUSCULAR DYSTROPHY 4 WITH VARIABLE FEATURES. Identifiers: Orphanet 261, MedGen C2751807, MONDO:0013071, OMIM 612998.
Autosomal recessive ataxia, Beauce type. Also called: SYNE1-Related Autosomal Recessive Cerebellar Ataxia; ATAXIA, RECESSIVE, OF BEAUCE; Spinocerebellar ataxia, autosomal recessive 8; SYNE1 Deficiency. Identifiers: Orphanet 88644, MedGen C1853116, MONDO:0012549, OMIM 610743.

Allele frequency attached by ClinVar (database versions not stated): 1000 Genomes Project 30x 0.00734; ESP Exome Variant Server 0.00654; TOPMed 0.00705; 1000 Genomes Project 0.00759; gnomAD 0.00649.
gnomAD v4.1: 1,825 of 1,613,830 alleles (0.11%); highest among the groups gnomAD compares: African/African-American, 2.2%; 21 homozygotes.

Submissions (7):

Labcorp Genetics (formerly Invitae), Labcorp
Classification: Benign for Emery-Dreifuss muscular dystrophy 4, autosomal dominant; Autosomal recessive ataxia, Beauce type. Last evaluated: 2026-01-12. Review status: criteria provided, single submitter. Criteria: Invitae Variant Classification Sherloc (09022015). Collection method: clinical testing. Allele origin: germline.

Athena Diagnostics
Classification: Benign. Last evaluated: 2018-08-13. Review status: criteria provided, single submitter. Criteria: Athena Diagnostics Criteria. Collection method: clinical testing. Allele origin: germline.

Mayo Clinic Laboratories, Mayo Clinic
Classification: Benign. Last evaluated: 2018-02-21. Review status: criteria provided, single submitter. Criteria: ACMG Guidelines, 2015. Collection method: clinical testing. Allele origin: germline. Observed: 4 variant alleles.

Illumina Laboratory Services, Illumina
Classification: Benign for Autosomal recessive ataxia, Beauce type. Last evaluated: 2018-01-13. Review status: criteria provided, single submitter. Criteria: ICSL Variant Classification Criteria 13 December 2019. Collection method: clinical testing. Allele origin: germline.
Comment: This variant was observed in the ICSL laboratory as part of a predisposition screen in an ostensibly healthy population. It had not been previously curated by ICSL or reported in the Human Gene Mutation Database (HGMD: prior to June 1st, 2018), and was therefore a candidate for classification through an automated scoring system. Utilizing variant allele frequency, disease prevalence and penetrance estimates, and inheritance mode, an automated score was calculated to assess if this variant is too frequent to cause the disease. Based on the score and internal cut-off values, a variant classified as benign is not then subjected to further curation. The score for this variant resulted in a classification of benign for this disease.

Illumina Laboratory Services, Illumina
Classification: Benign for Emery-Dreifuss muscular dystrophy 4, autosomal dominant. Last evaluated: 2018-01-13. Review status: criteria provided, single submitter. Criteria: ICSL Variant Classification Criteria 13 December 2019. Collection method: clinical testing. Allele origin: germline.
Comment: the same text as in the submission from Illumina Laboratory Services, Illumina above.

GeneDx
Classification: Benign. Last evaluated: 2016-10-21. Review status: criteria provided, single submitter. Criteria: GeneDx Variant Classification (06012015). Collection method: clinical testing. Allele origin: germline. Affected: yes.
Comment: This variant is considered likely benign or benign based on one or more of the following criteria: it is a conservative change, it occurs at a poorly conserved position in the protein, it is predicted to be benign by multiple in silico algorithms, and/or has population frequency not consistent with disease.

Genetic Services Laboratory, University of Chicago
Classification: Likely benign for AllHighlyPenetrant. Review status: no assertion criteria provided. Collection method: clinical testing. Allele origin: germline. Inheritance: Autosomal dominant inheritance. Not counted in ClinVar's aggregate classification.
Comment: Likely benign based on allele frequency in 1000 Genomes Project or ESP global frequency and its presence in a patient with a rare or unrelated disease phenotype. NOT Sanger confirmed.